The following is an entry in ClinVar:

ClinVar aggregate classification (germline): Uncertain significance (1 of 4 stars; one submission).

Conditions:
Orofaciodigital syndrome I (OFD1). Also called: OFDS I; Papillon-Leage and Psaume Syndrome; Oral-Facial-Digital Syndrome Type I. Identifiers: Orphanet 2750, MedGen C1510460, MONDO:0010702, OMIM 311200.
Joubert syndrome. Also called: JOUBERT-BOLTSHAUSER SYNDROME; Familial aplasia of the vermis; CEREBELLOPARENCHYMAL DISORDER IV. Identifiers: Orphanet 475, MedGen C5979921, MONDO:0018772.

Submission:

Labcorp Genetics (formerly Invitae), Labcorp
Classification: Uncertain significance for Orofaciodigital syndrome I; Joubert syndrome. Last evaluated: 2019-06-25. Review status: criteria provided, single submitter. Criteria: Invitae Variant Classification Sherloc (09022015). Collection method: clinical testing. Allele origin: germline.
Comment: In summary, this variant is a novel missense change with uncertain impact on protein function. It has been classified as a Variant of Uncertain Significance. Algorithms developed to predict the effect of sequence changes on mRNA splicing suggest that this variant may alter RNA splicing, but this prediction has not been confirmed by published transcriptional studies. Algorithms developed to predict the effect of missense changes on protein structure and function do not agree on the potential impact of this missense change (SIFT: "Deleterious"; PolyPhen-2: "Possibly Damaging"; Align-GVGD: "Class C15"). This variant is not present in population databases (ExAC no frequency) and has not been reported in the literature in individuals with a OFD1-related disease. This sequence change replaces lysine with glutamic acid at codon 204 of the OFD1 protein (p.Lys204Glu). The lysine residue is moderately conserved and there is a small physicochemical difference between lysine and glutamic acid.

NM_003611.3(OFD1):c.610A>G (p.Lys204Glu)

Gene: OFD1 (OFD1 centriole and centriolar satellite protein; plus strand). Cytogenetic location: Xp22.2.
Variant type: single nucleotide variant.
Coding change: c.610A>G on transcript NM_003611.3 (MANE Select); coding-DNA position 610, A replaced by G.
Protein change: p.Lys204Glu; replaces lysine 204 with glutamic acid.
Molecular consequence: missense variant.
Genome position (GRCh38, 1-based): chrX:13,746,411, A>G. VCF-style: chrX-13746411-A-G. GRCh37 (hg19) VCF-style: chrX-13764530-A-G.
Other names: c.610A>G, p.Lys204Glu (NM_001330209.2); c.190A>G, p.Lys64Glu (NM_001330210.2); short protein forms K204E, K64E.
Identifiers: ClinVar variation 404261 (VCV000404261.13), dbSNP rs1060500183, ClinGen allele CA16616438.
Genomic context (GRCh38, chrX:13,746,411, plus strand): 5'-GCAGATGCTTACCCTCAGCGTATCAAGTTCGAATCTTTAGAAATAAAGCTAAATGAGTAT[A>G]AGAGAGAAATAGAAGAGCAACTTCGGGCAGAAATGTGTCAAAAGGTAAGCTTTATCTTGT-3'
Protein context (NP_003602.1, residues 194-214): ESLEIKLNEY[Lys204Glu]REIEEQLRAE